The following is an entry in ClinVar:

NM_006348.5(COG5):c.730A>G (p.Thr244Ala)

Gene: COG5 (component of oligomeric golgi complex 5; minus strand). Cytogenetic location: 7q22.3.
Variant type: single nucleotide variant.
Coding change: c.730A>G on transcript NM_006348.5 (MANE Select); coding-DNA position 730, A replaced by G.
Protein change: p.Thr244Ala; replaces threonine 244 with alanine.
Molecular consequence: missense variant. On other transcripts: intron variant (2).
Genome position (GRCh38, 1-based): chr7:107,372,700, T>C on the plus strand (A>G on the coding strand, the complement: COG5 is on the minus strand). VCF-style: chr7-107372700-T-C. GRCh37 (hg19) VCF-style: chr7-107013145-T-C.
Other names: c.730A>G, p.Thr244Ala (NM_001161520.2, NM_001379511.1, NM_001379512.1 and 3 more transcripts); c.235-10590A>G (NM_001379516.1); c.539-74354A>G (NM_001379515.1); short protein forms T244A.
Identifiers: ClinVar variation 4847002 (VCV004847002.1).

ClinVar aggregate classification (germline): Uncertain significance (1 of 4 stars; one submission).

Conditions:
COG5-congenital disorder of glycosylation. Also called: CDG IIi; COG5-CDG; CONGENITAL DISORDER OF GLYCOSYLATION, TYPE IIi. Identifiers: Orphanet 263487, MedGen C3150876, MONDO:0013325, OMIM 613612.

gnomAD v4.1: 8 of 1,613,444 alleles (0.0005%); highest among the groups gnomAD compares: African/African-American, 0.0027%; no homozygotes.

Submission:

Laboratorio de Genetica e Diagnostico Molecular, Hospital Israelita Albert Einstein
Classification: Uncertain significance for COG5-congenital disorder of glycosylation. Last evaluated: 2025-06-27. Review status: criteria provided, single submitter. Criteria: ACMG Guidelines, 2015. Collection method: clinical testing. Allele origin: germline. Affected: yes.
Comment: ACMG classification criteria: PM2 supporting, BP4 supporting